The following is an entry in ClinVar:

ClinVar aggregate classification (germline): Conflicting classifications of pathogenicity. Review status: criteria provided, conflicting classifications (1 of 4 stars). 2 submissions from 2 submitters: Uncertain significance (1); Likely benign (1). Last evaluated 2025-10-14.

Conditions:
Hyper-IgE recurrent infection syndrome 3, autosomal recessive. Also called: Autosomal recessive hyper-IgE syndrome due to ZNF341 deficiency; HYPER-IgE SYNDROME 3, AUTOSOMAL RECESSIVE, WITH RECURRENT INFECTIONS. Identifiers: Orphanet 641368, MedGen C4748969, MONDO:0032654, OMIM 618282.
Inborn genetic diseases. Identifiers: MedGen C0950123, MeSH D030342.

Allele frequency attached by ClinVar (database versions not stated): ExAC 0.00001; gnomAD exomes below 0.00001; TOPMed 0.00002; gnomAD 0.00002.
gnomAD v4.1: 9 of 1,614,082 alleles (0.00056%); highest among the groups gnomAD compares: African/African-American, 0.0013%; no homozygotes.

Submissions (2):

Ambry Genetics
Classification: Likely benign for Inborn genetic diseases. Last evaluated: 2025-10-14. Review status: criteria provided, single submitter. Criteria: Ambry Variant Classification Scheme 2023. Collection method: clinical testing. Allele origin: germline.

Labcorp Genetics (formerly Invitae), Labcorp
Classification: Uncertain significance for Combined immunodeficiency due to DOCK8 deficiency. Last evaluated: 2020-12-06. Review status: criteria provided, single submitter. Criteria: Invitae Variant Classification Sherloc (09022015). Collection method: clinical testing. Allele origin: germline.
Comment: This sequence change replaces threonine with alanine at codon 1237 of the DOCK8 protein (p.Thr1237Ala). The threonine residue is weakly conserved and there is a small physicochemical difference between threonine and alanine. In summary, the available evidence is currently insufficient to determine the role of this variant in disease. Therefore, it has been classified as a Variant of Uncertain Significance. Algorithms developed to predict the effect of missense changes on protein structure and function output the following: SIFT: "Tolerated"; PolyPhen-2: "Benign"; Align-GVGD: "Class C0". The alanine amino acid residue is found in multiple mammalian species, suggesting that this missense change does not adversely affect protein function. These predictions have not been confirmed by published functional studies and their clinical significance is uncertain. This variant has not been reported in the literature in individuals with DOCK8-related conditions. This variant is present in population databases (rs769111782, ExAC 0.001%).

NM_203447.4(DOCK8):c.3709A>G (p.Thr1237Ala)

Gene: DOCK8 (dedicator of cytokinesis 8; plus strand). Cytogenetic location: 9p24.3.
Variant type: single nucleotide variant.
Coding change: c.3709A>G on transcript NM_203447.4 (MANE Select); coding-DNA position 3709, A replaced by G.
Protein change: p.Thr1237Ala; replaces threonine 1237 with alanine.
Molecular consequence: missense variant.
Genome position (GRCh38, 1-based): chr9:418,076, A>G. VCF-style: chr9-418076-A-G. GRCh37 (hg19) VCF-style: chr9-418076-A-G.
Other names: c.3409A>G, p.Thr1137Ala (NM_001190458.2); c.3505A>G, p.Thr1169Ala (NM_001193536.2); c.3709A>G (NM_203447.3); short protein forms T1137A, T1169A, T1237A.
Identifiers: ClinVar variation 1431759 (VCV001431759.7), dbSNP rs769111782, ClinGen allele CA4958800.
Genomic context (GRCh38, chr9:418,076, plus strand): 5'-ATGGGGAAATGTCATGTTTGACTTGACATCACAAACGATGTTTTCATTGCAGTTGCAGAT[A>G]CTCGCAGATACCGCACCAGTGGCTCGGATGAAGAACAAGAAGGAGCCGGTGCCATTAACC-3'
Protein context (NP_982272.2, residues 1227-1247): PQLCDFTVAD[Thr1237Ala]RRYRTSGSDE